The following is an entry in ClinVar:

NM_001286.5(CLCN6):c.2401G>A (p.Val801Met)

Gene: CLCN6 (chloride voltage-gated channel 6; plus strand). Cytogenetic location: 1p36.22.
Variant type: single nucleotide variant.
Coding change: c.2401G>A on transcript NM_001286.5 (MANE Select); coding-DNA position 2401, G replaced by A.
Protein change: p.Val801Met; replaces valine 801 with methionine.
Molecular consequence: missense variant. On other transcripts: non-coding transcript variant (1).
Genome position (GRCh38, 1-based): chr1:11,838,440, G>A. VCF-style: chr1-11838440-G-A. GRCh37 (hg19) VCF-style: chr1-11898497-G-A.
Other names: c.2335G>A, p.Val779Met (NM_001256959.2); short protein forms V779M, V801M.
Identifiers: ClinVar variation 1402325 (VCV001402325.6), dbSNP rs370182454, ClinGen allele CA596823.

ClinVar aggregate classification (germline): Uncertain significance (1 of 4 stars; one submission).

Allele frequency attached by ClinVar (database versions not stated): gnomAD exomes 0.00002 and 0.00003; ExAC 0.00003; TOPMed 0.00003; gnomAD 0.00005 and 0.00006; ESP Exome Variant Server 0.00008.
gnomAD v4.1: 38 of 1,613,990 alleles (0.0024%); highest among the groups gnomAD compares: Middle Eastern, 0.016%; no homozygotes.

Submission:

Labcorp Genetics (formerly Invitae), Labcorp
Classification: Uncertain significance. Last evaluated: 2024-07-01. Review status: criteria provided, single submitter. Criteria: Invitae Variant Classification Sherloc (09022015). Collection method: clinical testing. Allele origin: germline.
Comment: This sequence change replaces valine, which is neutral and non-polar, with methionine, which is neutral and non-polar, at codon 801 of the CLCN6 protein (p.Val801Met). This variant is present in population databases (rs370182454, gnomAD 0.008%). This variant has not been reported in the literature in individuals affected with CLCN6-related conditions. ClinVar contains an entry for this variant (Variation ID: 1402325). An algorithm developed to predict the effect of missense changes on protein structure and function (PolyPhen-2) suggests that this variant is likely to be tolerated. In summary, the available evidence is currently insufficient to determine the role of this variant in disease. Therefore, it has been classified as a Variant of Uncertain Significance.